The following is an entry in ClinVar:

ClinVar aggregate classification (germline): Uncertain significance (1 of 4 stars; one submission).

Submission:

GeneDx
Classification: Uncertain significance. Last evaluated: 2026-04-23. Review status: criteria provided, single submitter. Criteria: GeneDx Variant Classification Process June 2021. Collection method: clinical testing. Allele origin: germline.
Comment: Not observed at significant frequency in large population cohorts (gnomAD); In silico analysis supports that this missense variant has a deleterious effect on protein structure/function; Has not been previously published as pathogenic or benign to our knowledge

NM_018263.6(ASXL2):c.4229G>T (p.Cys1410Phe)

Gene: ASXL2 (ASXL transcriptional regulator 2; minus strand). Cytogenetic location: 2p23.3.
Variant type: single nucleotide variant.
Coding change: c.4229G>T on transcript NM_018263.6 (MANE Select); coding-DNA position 4229, G replaced by T.
Protein change: p.Cys1410Phe; replaces cysteine 1410 with phenylalanine.
Molecular consequence: missense variant.
Genome position (GRCh38, 1-based): chr2:25,742,108, C>A on the plus strand (G>T on the coding strand, the complement: ASXL2 is on the minus strand). VCF-style: chr2-25742108-C-A. GRCh37 (hg19) VCF-style: chr2-25964977-C-A.
Other names: c.4055G>T, p.Cys1352Phe (NM_001369346.1); c.3449G>T, p.Cys1150Phe (NM_001369347.1); short protein forms C1150F, C1352F, C1410F.
Identifiers: ClinVar variation 5037516 (VCV005037516.1).